The following is an entry in ClinVar:

ClinVar aggregate classification (germline): Uncertain significance. Review status: criteria provided, multiple submitters, no conflicts (2 of 4 stars). 2 submissions from 2 submitters: Uncertain significance (2). Last evaluated 2024-06-13.

Conditions:
Atypical hemolytic-uremic syndrome with I factor anomaly. Also called: HEMOLYTIC UREMIC SYNDROME, ATYPICAL, SUSCEPTIBILITY TO, 3; AHUS, SUSCEPTIBILITY TO, 3. Identifiers: Orphanet 2134, MedGen C2752039, MONDO:0013041, OMIM 612923.
Factor I deficiency (CFID). Also called: Complement factor I deficiency. Identifiers: Orphanet 200418, MedGen C3463916, MONDO:0012594, OMIM 610984.
Age related macular degeneration 13. Identifiers: MedGen C3809523, MONDO:0014189, OMIM 615439.

Allele frequency attached by ClinVar (database versions not stated): gnomAD exomes 0.00001; ExAC 0.00003; gnomAD 0.00011; TOPMed 0.00011; ESP Exome Variant Server 0.00015; 1000 Genomes Project 0.00020; 1000 Genomes Project 30x 0.00031.
gnomAD v4.1: 21 of 1,613,328 alleles (0.0013%); highest among the groups gnomAD compares: African/African-American, 0.028%; no homozygotes.

Submissions (2):

Fulgent Genetics
Classification: Uncertain significance for Factor I deficiency; Atypical hemolytic-uremic syndrome with I factor anomaly; Age related macular degeneration 13. Last evaluated: 2024-06-13. Review status: criteria provided, single submitter. Criteria: ACMG Guidelines, 2015. Collection method: clinical testing. Allele origin: germline.

Labcorp Genetics (formerly Invitae), Labcorp
Classification: Uncertain significance. Last evaluated: 2024-02-17. Review status: criteria provided, single submitter. Criteria: Invitae Variant Classification Sherloc (09022015). Collection method: clinical testing. Allele origin: germline.
Comment: This sequence change replaces valine, which is neutral and non-polar, with isoleucine, which is neutral and non-polar, at codon 489 of the CFI protein (p.Val489Ile). This variant is present in population databases (rs376327484, gnomAD 0.04%). This variant has not been reported in the literature in individuals affected with CFI-related conditions. ClinVar contains an entry for this variant (Variation ID: 1917614). Advanced modeling of protein sequence and biophysical properties (such as structural, functional, and spatial information, amino acid conservation, physicochemical variation, residue mobility, and thermodynamic stability) performed at Invitae indicates that this missense variant is not expected to disrupt CFI protein function with a negative predictive value of 80%. In summary, the available evidence is currently insufficient to determine the role of this variant in disease. Therefore, it has been classified as a Variant of Uncertain Significance.

NM_000204.5(CFI):c.1465G>A (p.Val489Ile)

Gene: CFI (complement factor I; minus strand). Cytogenetic location: 4q25.
Variant type: single nucleotide variant.
Coding change: c.1465G>A on transcript NM_000204.5 (MANE Select); coding-DNA position 1465, G replaced by A.
Protein change: p.Val489Ile; replaces valine 489 with isoleucine.
Molecular consequence: missense variant. On other transcripts: non-coding transcript variant (3).
Genome position (GRCh38, 1-based): chr4:109,742,560, C>T on the plus strand (G>A on the coding strand, the complement: CFI is on the minus strand). VCF-style: chr4-109742560-C-T. GRCh37 (hg19) VCF-style: chr4-110663716-C-T.
Other names: c.1489G>A, p.Val497Ile (NM_001318057.2, NM_001375278.1); c.1444G>A, p.Val482Ile (NM_001331035.2, NM_001375280.1, NM_001375282.1); c.1465G>A, p.Val489Ile (NM_001375279.1, NM_001375281.1); c.1408G>A, p.Val470Ile (NM_001375283.1); c.856G>A, p.Val286Ile (NM_001375284.1); short protein forms V286I, V497I, V470I, V482I, V489I.
Identifiers: ClinVar variation 1917614 (VCV001917614.6), dbSNP rs376327484, ClinGen allele CA3041890.